The following is an entry in ClinVar:

NM_001386298.1(CIC):c.5049G>A (p.Ala1683=)

Gene: CIC (capicua transcriptional repressor; plus strand). Cytogenetic location: 19q13.2.
Variant type: single nucleotide variant.
Coding change: c.5049G>A on transcript NM_001386298.1 (MANE Select); coding-DNA position 5049, G replaced by A.
Protein change: p.Ala1683=; no amino-acid change (alanine 1683 retained).
Molecular consequence: synonymous variant.
Genome position (GRCh38, 1-based): chr19:42,291,090, G>A. VCF-style: chr19-42291090-G-A. GRCh37 (hg19) VCF-style: chr19-42795242-G-A.
Other names: c.5049G>A, p.Ala1683= (NM_001304815.2, NM_001379480.1, NM_001379482.1); c.2322G>A, p.Ala774= (NM_001379484.1, NM_001379485.1, NM_015125.5).
Identifiers: ClinVar variation 715789 (VCV000715789.28), dbSNP rs370824841, ClinGen allele CA9472238.

ClinVar aggregate classification (germline): Likely benign. Review status: criteria provided, multiple submitters, no conflicts (2 of 4 stars). 2 submissions from 2 submitters: Likely benign (2). Last evaluated 2022-04-01.

Allele frequency attached by ClinVar (database versions not stated): gnomAD exomes 0.00003; ExAC 0.00004; gnomAD 0.00004 and 0.00007; TOPMed 0.00004.
gnomAD v4.1: 142 of 1,613,546 alleles (0.0088%); highest among the groups gnomAD compares: African/African-American, 0.035%; 3 homozygotes.

Submissions (2):

CeGaT Center for Human Genetics Tuebingen
Classification: Likely benign. Last evaluated: 2022-04-01. Review status: criteria provided, single submitter. Criteria: CeGaT Center For Human Genetics Tuebingen Variant Classification Criteria Version 2. Collection method: clinical testing. Allele origin: germline. Affected: yes. Observed: 1 variant allele.
Comment: CIC: BP4, BP7

Labcorp Genetics (formerly Invitae), Labcorp
Classification: Likely benign. Last evaluated: 2019-12-31. Review status: criteria provided, single submitter. Criteria: Invitae Variant Classification Sherloc (09022015). Collection method: clinical testing. Allele origin: germline.